The following is an entry in ClinVar:

ClinVar aggregate classification (germline): Uncertain significance (1 of 4 stars; one submission).

Allele frequency attached by ClinVar (database versions not stated): TOPMed 0.00006; gnomAD 0.00008.
gnomAD v4.1: 81 of 1,613,278 alleles (0.005%); highest among the groups gnomAD compares: Non-Finnish European, 0.0059%; no homozygotes.

Submission:

Labcorp Genetics (formerly Invitae), Labcorp
Classification: Uncertain significance. Last evaluated: 2025-11-27. Review status: criteria provided, single submitter. Criteria: Invitae Variant Classification Sherloc (09022015). Collection method: clinical testing. Allele origin: germline.
Comment: This sequence change replaces arginine, which is basic and polar, with histidine, which is basic and polar, at codon 25 of the PCK2 protein (p.Arg25His). This variant is present in population databases (rs777117778, gnomAD 0.005%). This variant has not been reported in the literature in individuals affected with PCK2-related conditions. ClinVar contains an entry for this variant (Variation ID: 1368796). An algorithm developed to predict the effect of missense changes on protein structure and function (PolyPhen-2) suggests that this variant is likely to be tolerated. In summary, the available evidence is currently insufficient to determine the role of this variant in disease. Therefore, it has been classified as a Variant of Uncertain Significance.

NM_004563.4(PCK2):c.74G>A (p.Arg25His)

Genes: NRL (neural retina leucine zipper; minus strand), PCK2 (phosphoenolpyruvate carboxykinase 2, mitochondrial; plus strand). Cytogenetic location: 14q11.2.
Variant type: single nucleotide variant.
Coding change: c.74G>A on transcript NM_004563.4 (MANE Select); coding-DNA position 74, G replaced by A.
Protein change: p.Arg25His; replaces arginine 25 with histidine.
Molecular consequence: missense variant. On other transcripts: 5 prime UTR variant (1), intron variant (4).
Genome position (GRCh38, 1-based): chr14:24,096,936, G>A. VCF-style: chr14-24096936-G-A. GRCh37 (hg19) VCF-style: chr14-24566145-G-A.
Other names: c.74G>A, p.Arg25His (NM_001018073.3); c.-329G>A (NM_001308054.2); c.-27-14061C>T (NM_001354768.3, NM_001354770.2); c.-253-12191C>T (NM_006177.5); c.-127-1267G>A (NM_001291556.2); short protein forms R25H.
Identifiers: ClinVar variation 1368796 (VCV001368796.6), dbSNP rs777117778, ClinGen allele CA7123015.
Genomic context (GRCh38, chr14:24,096,936, plus strand): 5'-TCTGTTTCTCCTATAGGCTTAACTGGCATGGGCTGAGCCCCTTGGGCTGGCCATCATGCC[G>A]TAGCATCCAGACCCTGCGAGTGCTTAGTGGAGATCTGGGCCAGCTTCCCACTGGCATTCG-3'
Protein context (NP_004554.3, residues 15-35): GLSPLGWPSC[Arg25His]SIQTLRVLSG